The following is an entry in ClinVar:

NM_025137.4(SPG11):c.154G>T (p.Glu52Ter)

Gene: SPG11 (SPG11 vesicle trafficking associated, spatacsin; minus strand). Cytogenetic location: 15q21.1.
Variant type: single nucleotide variant.
Coding change: c.154G>T on transcript NM_025137.4 (MANE Select); coding-DNA position 154, G replaced by T.
Protein change: p.Glu52Ter; replaces glutamic acid 52 with a stop codon.
Molecular consequence: nonsense.
Genome position (GRCh38, 1-based): chr15:44,663,494, C>A on the plus strand (G>T on the coding strand, the complement: SPG11 is on the minus strand). VCF-style: chr15-44663494-C-A. GRCh37 (hg19) VCF-style: chr15-44955692-C-A.
Other names: c.154G>T, p.Glu52Ter (NM_001160227.2, NM_001411132.1); short protein forms E52*.
Identifiers: ClinVar variation 2834540 (VCV002834540.3), dbSNP rs2085183291, ClinGen allele CA392238678.

ClinVar aggregate classification (germline): Pathogenic (1 of 4 stars; one submission).

Conditions:
Hereditary spastic paraplegia 11. Also called: SPASTIC PARAPLEGIA, AUTOSOMAL RECESSIVE, COMPLICATED, WITH THIN CORPUS CALLOSUM; SPASTIC PARAPLEGIA, AUTOSOMAL RECESSIVE, WITH MENTAL IMPAIRMENT AND THIN CORPUS CALLOSUM; Spastic paraplegia, mental retardation and thin corpus callosum; Spastic Paraplegia 11; Nakamura Osame syndrome; Autosomal recessive hereditary spastic paraplegia, mental impairment, and thin corpus callosum. Identifiers: Orphanet 2822, MedGen C1858479, MONDO:0011445, OMIM 604360.

Allele frequency attached by ClinVar (database versions not stated): TOPMed below 0.00001.

Submission:

Labcorp Genetics (formerly Invitae), Labcorp
Classification: Pathogenic for Hereditary spastic paraplegia 11. Last evaluated: 2023-02-04. Review status: criteria provided, single submitter. Criteria: Invitae Variant Classification Sherloc (09022015). Collection method: clinical testing. Allele origin: germline.
Comment: For these reasons, this variant has been classified as Pathogenic. This variant has not been reported in the literature in individuals affected with SPG11-related conditions. This variant is not present in population databases (gnomAD no frequency). This sequence change creates a premature translational stop signal (p.Glu52*) in the SPG11 gene. It is expected to result in an absent or disrupted protein product. Loss-of-function variants in SPG11 are known to be pathogenic (PMID: 19105190, 20110243, 22154821, 26556829).

Literature cited by the submitters: PubMed 19105190; PubMed 20110243; PubMed 22154821; PubMed 26556829.